The following is an entry in ClinVar:

ClinVar aggregate classification (germline): Uncertain significance (1 of 4 stars; one submission).

Submission:

Labcorp Genetics (formerly Invitae), Labcorp
Classification: Uncertain significance. Last evaluated: 2024-02-14. Review status: criteria provided, single submitter. Criteria: Invitae Variant Classification Sherloc (09022015). Collection method: clinical testing. Allele origin: germline.
Comment: This sequence change replaces phenylalanine, which is neutral and non-polar, with leucine, which is neutral and non-polar, at codon 935 of the USP9X protein (p.Phe935Leu). This variant is not present in population databases (gnomAD no frequency). This variant has not been reported in the literature in individuals affected with USP9X-related conditions. An algorithm developed to predict the effect of missense changes on protein structure and function (PolyPhen-2) suggests that this variant is likely to be disruptive. In summary, the available evidence is currently insufficient to determine the role of this variant in disease. Therefore, it has been classified as a Variant of Uncertain Significance.

NM_001039591.3(USP9X):c.2803T>C (p.Phe935Leu)

Gene: USP9X (ubiquitin specific peptidase 9 X-linked; plus strand). Cytogenetic location: Xp11.4.
Variant type: single nucleotide variant.
Coding change: c.2803T>C on transcript NM_001039591.3 (MANE Select); coding-DNA position 2803, T replaced by C.
Protein change: p.Phe935Leu; replaces phenylalanine 935 with leucine.
Molecular consequence: missense variant.
Genome position (GRCh38, 1-based): chrX:41,170,161, T>C. VCF-style: chrX-41170161-T-C. GRCh37 (hg19) VCF-style: chrX-41029414-T-C.
Other names: c.2803T>C, p.Phe935Leu (NM_001039590.3); c.2818T>C, p.Phe940Leu (NM_001410748.1, NM_001410749.1); short protein forms F935L, F940L.
Identifiers: ClinVar variation 2717659 (VCV002717659.3), dbSNP rs2519225289, ClinGen allele CA412758394.
Genomic context (GRCh38, chrX:41,170,161, plus strand): 5'-GTACGACGATGTATTCTCAATCGTATTAAAGCCAACGTAGCCCATACAAAAATTGAGCTC[T>C]TTGTGGGCGGTGAGCTGATAGATCCTGCAGATGATAGAAAGTTGATTGGACAATTAAACT-3'
Protein context (NP_001034680.2, residues 925-945): ANVAHTKIEL[Phe935Leu]VGGELIDPAD